The following is an entry in ClinVar:

NM_015922.3(NSDHL):c.982C>T (p.Arg328Trp)

Gene: NSDHL (NAD(P) dependent 3-beta-hydroxysteroid dehydrogenase NSDHL; plus strand). Cytogenetic location: Xq28.
Variant type: single nucleotide variant.
Coding change: c.982C>T on transcript NM_015922.3 (MANE Select); coding-DNA position 982, C replaced by T.
Protein change: p.Arg328Trp; replaces arginine 328 with tryptophan.
Molecular consequence: missense variant.
Genome position (GRCh38, 1-based): chrX:152,868,976, C>T. VCF-style: chrX-152868976-C-T. GRCh37 (hg19) VCF-style: chrX-152037520-C-T.
Other names: c.982C>T, p.Arg328Trp (NM_001129765.2, NM_001441099.1); short protein forms R328W.
Identifiers: ClinVar variation 4988442 (VCV004988442.1).

ClinVar aggregate classification (germline): Uncertain significance (1 of 4 stars; one submission).

Conditions:
NSDHL-related disorder. Also called: NSDHL-Related Disorders; NSDHL-related condition. Identifiers: MedGen CN381535.

gnomAD v4.1: 2 of 1,211,811 alleles (0.00017%); highest among the groups gnomAD compares: Non-Finnish European, 0.00022%; no homozygotes.

Submission:

PreventionGenetics, part of Exact Sciences
Classification: Uncertain significance for NSDHL-related condition. Last evaluated: 2024-11-27. Review status: criteria provided, single submitter. Criteria: ACMG Guidelines, 2015. Collection method: clinical testing. Allele origin: germline.
Comment: The NSDHL c.982C>T variant is predicted to result in the amino acid substitution p.Arg328Trp. To our knowledge, this variant has not been reported in the literature or in a large population database (gnomAD), indicating this variant is rare. At this time, the clinical significance of this variant is uncertain due to the absence of conclusive functional and genetic evidence.